The following is an entry in ClinVar:

ClinVar aggregate classification (germline): Uncertain significance (0 of 4 stars; one submission).

Allele frequency attached by ClinVar (database versions not stated): gnomAD exomes 0.00004; TOPMed 0.00001; ESP Exome Variant Server 0.00008.
gnomAD v4.1: 51 of 1,614,048 alleles (0.0032%); highest among the groups gnomAD compares: Admixed American, 0.0083%; no homozygotes.

Submission:

Martin Pollak Laboratory,  Beth Israel Deaconess Medical Center
Classification: Uncertain significance. Review status: no assertion criteria provided. Collection method: not provided. Allele origin: unknown.
Comment: Lower UCa2+ group
ClinVar note: Converted during submission from unknown to Uncertain significance.

NM_006984.5(CLDN10):c.318C>T (p.Val106=)

Gene: CLDN10 (claudin 10; plus strand). Cytogenetic location: 13q32.1.
Variant type: single nucleotide variant.
Coding change: c.318C>T on transcript NM_006984.5 (MANE Select); coding-DNA position 318, C replaced by T.
Protein change: p.Val106=; no amino-acid change (valine 106 retained).
Molecular consequence: synonymous variant.
Genome position (GRCh38, 1-based): chr13:95,560,229, C>T. VCF-style: chr13-95560229-C-T. GRCh37 (hg19) VCF-style: chr13-96212483-C-T.
Other names: c.255C>T, p.Val85= (NM_001160100.2); c.312C>T, p.Val104= (NM_182848.4).
Identifiers: ClinVar variation 64490 (VCV000064490.2), dbSNP rs374567220, ClinGen allele CA216258.
Genomic context (GRCh38, chr13:95,560,229, plus strand): 5'-TGTCAGCCTGGGCTTCTTTGGTTCCATATTTGCGCTCTTTGGAATGAAGTGTACCAAAGT[C>T]GGAGGCTCCGATAAAGCCAAAGCTAAAATTGCTTGTTTGGCTGGGATTGTATTCATACTG-3'
Protein context (NP_008915.1, residues 96-116): FALFGMKCTK[Val106=]GGSDKAKAKI